The following is an entry in ClinVar:

NM_024675.4(PALB2):c.1935G>A (p.Glu645=)

Gene: PALB2 (partner and localizer of BRCA2; minus strand). Cytogenetic location: 16p12.2.
Variant type: single nucleotide variant.
Coding change: c.1935G>A on transcript NM_024675.4 (MANE Select); coding-DNA position 1935, G replaced by A.
Protein change: p.Glu645=; no amino-acid change (glutamic acid 645 retained).
Molecular consequence: synonymous variant.
Genome position (GRCh38, 1-based): chr16:23,630,219, C>T on the plus strand (G>A on the coding strand, the complement: PALB2 is on the minus strand). VCF-style: chr16-23630219-C-T. GRCh37 (hg19) VCF-style: chr16-23641540-C-T.
Identifiers: ClinVar variation 126627 (VCV000126627.56), dbSNP rs141707455, ClinGen allele CA197685.
Genomic context (GRCh38, chr16:23,630,219, plus strand): 5'-ATCCATGCGTTTAGGACTCAGTTCCTCTGGAAAAATACAGCTTCCCTCTTTAAGATGTCT[C>T]TCTCCAAACATTTTTGACTCAAAGGGCTCCACTGGTTTTTCTGAGCAGGACTTCACTTTT-3'
Protein context (NP_078951.2, residues 635-655): VEPFESKMFG[Glu645=]RHLKEGSCIF

ClinVar aggregate classification (germline): Benign/Likely benign. Review status: criteria provided, multiple submitters, no conflicts (2 of 4 stars). 19 submissions from 19 submitters: Benign (3); Likely benign (13). 3 of the submissions do not count toward it. Last evaluated 2026-07-01.

Conditions:
PALB2-related disorder. Also called: PALB2-related disorders; PALB2-related condition.
Breast-ovarian cancer, familial, susceptibility to, 5 (BROVCA5). Identifiers: MedGen C5830615, MONDO:0957530, OMIM 620442.
Familial cancer of breast. Also called: hereditary breast carcinoma; BREAST CANCER, FAMILIAL; Hereditary breast cancer. Identifiers: Orphanet 227535, MedGen C0346153, MONDO:0016419, OMIM 114480. Disease mechanism: loss of function.
Fanconi anemia complementation group N. Also called: PALB2-Related Fanconi Anemia. Identifiers: Orphanet 84, MedGen C1835817, MONDO:0012565, OMIM 610832. Disease mechanism: loss of function.
Pancreatic cancer, susceptibility to, 3. Identifiers: Orphanet 1333, MedGen C3150547, MONDO:0013236, OMIM 613348.
Hereditary cancer-predisposing syndrome. Also called: Neoplastic Syndromes, Hereditary; Hereditary Cancer Syndrome; Tumor predisposition; Hereditary neoplastic syndrome. Identifiers: Orphanet 140162, MedGen C0027672, MeSH D009386, MONDO:0015356.

Allele frequency attached by ClinVar (database versions not stated): ExAC 0.00002; gnomAD exomes 0.00002; TOPMed 0.00005; gnomAD 0.00006 and 0.00007; 1000 Genomes Project 30x 0.00016; 1000 Genomes Project 0.00020; ESP Exome Variant Server 0.00023.

Submissions (19):

CeGaT Center for Human Genetics Tuebingen
Classification: Likely benign. Last evaluated: 2026-07-01. Review status: criteria provided, single submitter. Criteria: CeGaT Center For Human Genetics Tuebingen Variant Classification Criteria Version 2. Collection method: clinical testing. Allele origin: germline. Affected: yes. Observed: 6 variant alleles.
Comment: PALB2: BP4, BP7

Labcorp Genetics (formerly Invitae), Labcorp
Classification: Likely benign for Familial cancer of breast. Last evaluated: 2026-01-17. Review status: criteria provided, single submitter. Criteria: Invitae Variant Classification Sherloc (09022015). Collection method: clinical testing. Allele origin: germline.

Center for Genomic Medicine, Rigshospitalet, Copenhagen University Hospital
Classification: Likely benign. Last evaluated: 2025-03-04. Review status: criteria provided, single submitter. Criteria: ACMG Guidelines, 2015. Collection method: clinical testing. Allele origin: germline.

Myriad Genetics, Inc.
Classification: Benign for Familial cancer of breast. Last evaluated: 2025-01-15. Review status: criteria provided, single submitter. Criteria: Myriad Autosomal Dominant, Autosomal Recessive and X-Linked Classification Criteria (2023). Collection method: clinical testing. Allele origin: unknown.
Comment: This variant is considered benign. This variant is a silent/synonymous amino acid change and it is not expected to impact splicing.

Department of Pathology and Laboratory Medicine, Sinai Health System
Classification: Likely benign for Breast-ovarian cancer, familial, susceptibility to, 5. Last evaluated: 2024-10-31. Review status: criteria provided, single submitter. Criteria: ACMG Guidelines, 2015. Collection method: clinical testing. Allele origin: germline. Affected: yes.

Blueprint Genetics
Classification: Likely benign. Last evaluated: 2024-02-09. Review status: criteria provided, single submitter. Criteria: ACMG Guidelines, 2015. Collection method: clinical testing. Allele origin: germline.

KCCC/NGS Laboratory, Kuwait Cancer Control Center
Classification: Benign for Breast-ovarian cancer, familial, susceptibility to, 5. Last evaluated: 2023-07-07. Review status: criteria provided, single submitter. Criteria: ACMG Guidelines, 2015. Collection method: clinical testing. Allele origin: germline. Affected: yes.

Quest Diagnostics Nichols Institute San Juan Capistrano
Classification: Likely benign. Last evaluated: 2023-06-09. Review status: criteria provided, single submitter. Criteria: Quest Diagnostics criteria. Collection method: clinical testing. Allele origin: unknown.

Sema4
Classification: Likely benign for Hereditary cancer-predisposing syndrome. Last evaluated: 2022-01-23. Review status: criteria provided, single submitter. Criteria: Sema4 Curation Guidelines. Collection method: curation. Allele origin: germline.

Fulgent Genetics
Classification: Likely benign for Familial cancer of breast; Fanconi anemia complementation group N; Pancreatic cancer, susceptibility to, 3. Last evaluated: 2021-12-17. Review status: criteria provided, single submitter. Criteria: ACMG Guidelines, 2015. Collection method: clinical testing. Allele origin: unknown.

Genetic Services Laboratory, University of Chicago
Classification: Likely benign. Last evaluated: 2021-10-05. Review status: criteria provided, single submitter. Criteria: ACMG Guidelines, 2015. Collection method: clinical testing. Allele origin: germline. Affected: no.

Mendelics
Classification: Likely benign for Familial cancer of breast. Last evaluated: 2019-05-28. Review status: criteria provided, single submitter. Criteria: Mendelics Assertion Criteria 2017. Collection method: clinical testing. Allele origin: unknown.

Color Diagnostics, LLC DBA Color Health
Classification: Likely benign for Hereditary cancer-predisposing syndrome. Last evaluated: 2017-08-26. Review status: criteria provided, single submitter. Criteria: ACMG Guidelines, 2015. Collection method: clinical testing. Allele origin: germline.

Ambry Genetics
Classification: Likely benign for Hereditary cancer-predisposing syndrome. Last evaluated: 2016-08-05. Review status: criteria provided, single submitter. Criteria: Ambry Variant Classification Scheme 2023. Collection method: clinical testing. Allele origin: germline.

GeneDx
Classification: Benign. Last evaluated: 2015-05-20. Review status: criteria provided, single submitter. Criteria: GeneDx Variant Classification (06012015). Collection method: clinical testing. Allele origin: germline. Affected: yes.
Comment: This variant is considered likely benign or benign based on one or more of the following criteria: it is a conservative change, it occurs at a poorly conserved position in the protein, it is predicted to be benign by multiple in silico algorithms, and/or has population frequency not consistent with disease.

Breakthrough Genomics
Classification: Likely benign. Review status: criteria provided, single submitter. Criteria: ACMG Guidelines, 2015. Collection method: not provided. Allele origin: germline. Inheritance: Autosomal dominant inheritance. Affected: yes.

PreventionGenetics, part of Exact Sciences
Classification: Likely benign for PALB2-related condition. Last evaluated: 2019-12-24. Review status: no assertion criteria provided. Collection method: clinical testing. Allele origin: germline. Not counted in ClinVar's aggregate classification.
Comment: This variant is classified as likely benign based on ACMG/AMP sequence variant interpretation guidelines (Richards et al. 2015 PMID: 25741868, with internal and published modifications).

Leiden Open Variation Database
Classification: Likely benign for Familial cancer of breast. Last evaluated: 2019-05-13. Review status: no assertion criteria provided. Collection method: curation. Allele origin: germline. Affected: yes. Not counted in ClinVar's aggregate classification.
Comment: Curators: Marc Tischkowitz, Arleen D. Auerbach. Submitter to LOVD: Marc Tischkowitz.

True Health Diagnostics
Classification: Likely benign for Hereditary cancer-predisposing syndrome. Last evaluated: 2018-09-06. Review status: no assertion criteria provided. Collection method: clinical testing. Allele origin: germline. Not counted in ClinVar's aggregate classification.

Literature cited by the submitters: PubMed 23448497 (cited by 4 submitters); PubMed 21618343 (cited by 4 submitters).